The following is an entry in ClinVar:

NM_001375567.1(FOCAD):c.3097A>T (p.Asn1033Tyr)

Gene: FOCAD (focadhesin; plus strand). Cytogenetic location: 9p21.3.
Variant type: single nucleotide variant.
Coding change: c.3097A>T on transcript NM_001375567.1 (MANE Select); coding-DNA position 3097, A replaced by T.
Protein change: p.Asn1033Tyr; replaces asparagine 1033 with tyrosine.
Molecular consequence: missense variant.
Genome position (GRCh38, 1-based): chr9:20,929,376, A>T. VCF-style: chr9-20929376-A-T. GRCh37 (hg19) VCF-style: chr9-20929375-A-T.
Other names: c.2992A>T, p.Asn998Tyr (NM_001375568.1, NM_001375570.1); c.3097A>T, p.Asn1033Tyr (NM_017794.5); c.3097A>T (NM_017794.3); short protein forms N998Y, N1033Y.
Identifiers: ClinVar variation 3630983 (VCV003630983.3).

ClinVar aggregate classification (germline): Uncertain significance. Review status: criteria provided, multiple submitters, no conflicts (2 of 4 stars). 2 submissions from 2 submitters: Uncertain significance (2). Last evaluated 2025-10-29.

Conditions:
Inborn genetic diseases. Identifiers: MedGen C0950123, MeSH D030342.

gnomAD v4.1: 8 of 1,613,910 alleles (0.0005%); highest among the groups gnomAD compares: Non-Finnish European, 0.00068%; no homozygotes.

Submissions (2):

Ambry Genetics
Classification: Uncertain significance for Inborn genetic diseases. Last evaluated: 2025-10-29. Review status: criteria provided, single submitter. Criteria: Ambry Variant Classification Scheme 2023. Collection method: clinical testing. Allele origin: germline.

Labcorp Genetics (formerly Invitae), Labcorp
Classification: Uncertain significance. Last evaluated: 2025-08-12. Review status: criteria provided, single submitter. Criteria: Invitae Variant Classification Sherloc (09022015). Collection method: clinical testing. Allele origin: germline.
Comment: This sequence change replaces asparagine, which is neutral and polar, with tyrosine, which is neutral and polar, at codon 1033 of the FOCAD protein (p.Asn1033Tyr). This variant is present in population databases (rs374284178, gnomAD 0.0009%). This variant has not been reported in the literature in individuals affected with FOCAD-related conditions. ClinVar contains an entry for this variant (Variation ID: 3630983). Experimental studies and prediction algorithms are not available or were not evaluated, and the functional significance of this variant is currently unknown. In summary, the available evidence is currently insufficient to determine the role of this variant in disease. Therefore, it has been classified as a Variant of Uncertain Significance.